The following is an entry in ClinVar:

NM_001384910.1(GUCA1A):c.331G>A (p.Glu111Lys)

Genes: GUCA1A (guanylate cyclase activator 1A; plus strand), GUCA1ANB-GUCA1A (GUCA1ANB-GUCA1A readthrough; plus strand). Cytogenetic location: 6p21.1.
Variant type: single nucleotide variant.
Coding change: c.331G>A on transcript NM_001384910.1 (MANE Select); coding-DNA position 331, G replaced by A.
Protein change: p.Glu111Lys; replaces glutamic acid 111 with lysine.
Molecular consequence: missense variant.
Genome position (GRCh38, 1-based): chr6:42,178,409, G>A. VCF-style: chr6-42178409-G-A. GRCh37 (hg19) VCF-style: chr6-42146147-G-A.
Other names: c.331G>A, p.Glu111Lys (NM_000409.5, NM_001319061.2, NM_001319062.2); short protein forms E111K.
Identifiers: ClinVar variation 1001592 (VCV001001592.9), dbSNP rs1768018528, ClinGen allele CA364109351.

ClinVar aggregate classification (germline): Conflicting classifications of pathogenicity. Review status: criteria provided, conflicting classifications (1 of 4 stars). 2 submissions from 2 submitters: Likely pathogenic (1); Uncertain significance (1). Last evaluated 2023-07-17.

Conditions:
GUCA1A-related disorders.

Submissions (2):

Labcorp Genetics (formerly Invitae), Labcorp
Classification: Uncertain significance. Last evaluated: 2023-07-17. Review status: criteria provided, single submitter. Criteria: Invitae Variant Classification Sherloc (09022015). Collection method: clinical testing. Allele origin: germline.
Comment: In summary, the available evidence is currently insufficient to determine the role of this variant in disease. Therefore, it has been classified as a Variant of Uncertain Significance. This variant disrupts the p.Glu111 amino acid residue in GUCA1A. Other variant(s) that disrupt this residue have been determined to be pathogenic (PMID: 28041643, 30184081). This suggests that this residue is clinically significant, and that variants that disrupt this residue are likely to be disease-causing. An algorithm developed to predict the effect of missense changes on protein structure and function (PolyPhen-2) suggests that this variant is likely to be disruptive. ClinVar contains an entry for this variant (Variation ID: 1001592). This variant has not been reported in the literature in individuals affected with GUCA1A-related conditions. This variant is not present in population databases (gnomAD no frequency). This sequence change replaces glutamic acid, which is acidic and polar, with lysine, which is basic and polar, at codon 111 of the GUCA1A protein (p.Glu111Lys).

Blueprint Genetics
Classification: Likely pathogenic for GUCA1A-related disorders. Last evaluated: 2018-06-21. Review status: criteria provided, single submitter. Criteria: ACMG Guidelines, 2015. Collection method: clinical testing. Allele origin: germline. Affected: yes. Observed: 1 variant allele.

Literature cited by the submitters: PubMed 28041643 (cited by Labcorp Genetics (formerly Invitae), Labcorp); PubMed 30184081 (cited by Labcorp Genetics (formerly Invitae), Labcorp).